The following is an entry in ClinVar:

ClinVar aggregate classification (germline): Uncertain significance (1 of 4 stars; one submission).

Submission:

Labcorp Genetics (formerly Invitae), Labcorp
Classification: Uncertain significance. Last evaluated: 2025-03-24. Review status: criteria provided, single submitter. Criteria: Invitae Variant Classification Sherloc (09022015). Collection method: clinical testing. Allele origin: germline.
Comment: This sequence change replaces serine, which is neutral and polar, with asparagine, which is neutral and polar, at codon 577 of the MTOR protein (p.Ser577Asn). This variant is not present in population databases (gnomAD no frequency). This variant has not been reported in the literature in individuals affected with MTOR-related conditions. Invitae Evidence Modeling of protein sequence and biophysical properties (such as structural, functional, and spatial information, amino acid conservation, physicochemical variation, residue mobility, and thermodynamic stability) indicates that this missense variant is not expected to disrupt MTOR protein function with a negative predictive value of 95%. In summary, the available evidence is currently insufficient to determine the role of this variant in disease. Therefore, it has been classified as a Variant of Uncertain Significance.

NM_004958.4(MTOR):c.1730G>A (p.Ser577Asn)

Gene: MTOR (mechanistic target of rapamycin kinase; minus strand). Cytogenetic location: 1p36.22.
Variant type: single nucleotide variant.
Coding change: c.1730G>A on transcript NM_004958.4 (MANE Select); coding-DNA position 1730, G replaced by A.
Protein change: p.Ser577Asn; replaces serine 577 with asparagine.
Molecular consequence: missense variant.
Genome position (GRCh38, 1-based): chr1:11,240,359, C>T on the plus strand (G>A on the coding strand, the complement: MTOR is on the minus strand). VCF-style: chr1-11240359-C-T. GRCh37 (hg19) VCF-style: chr1-11300416-C-T.
Other names: c.1730G>A, p.Ser577Asn (NM_001386500.1); c.482G>A, p.Ser161Asn (NM_001386501.1); short protein forms S161N, S577N.
Identifiers: ClinVar variation 4806710 (VCV004806710.1).
Genomic context (GRCh38, chr1:11,240,359, plus strand): 5'-TTACCTTCAAATTCAAAGCTGCCAAGCGTTCGGAGGGCAAGAGTGATGCTGCCCACATCG[C>T]TGGCCTCAGGGAGGGTCGTGAGGCCAGGAGAGGCCAGCTGATGGGCCAGGCCCTTGGGCA-3'
Protein context (NP_004949.1, residues 567-587): SPGLTTLPEA[Ser577Asn]DVGSITLALR